The following is an entry in ClinVar:

ClinVar aggregate classification (germline): Uncertain significance. Review status: criteria provided, multiple submitters, no conflicts (2 of 4 stars). 2 submissions from 2 submitters: Uncertain significance (2). Last evaluated 2026-01-18.

Conditions:
Periodic fever-infantile enterocolitis-autoinflammatory syndrome. Also called: Autoinflammation with infantile enterocolitis. Identifiers: Orphanet 436166, MedGen C4015067, MONDO:0014472, OMIM 616050.
Familial cold autoinflammatory syndrome 4 (FCAS4). Identifiers: Orphanet 47045, Orphanet 576349, MedGen C4015276, MONDO:0014498, OMIM 616115.
Inborn genetic diseases. Identifiers: MedGen C0950123, MeSH D030342.

Allele frequency attached by ClinVar (database versions not stated): gnomAD exomes below 0.00001; gnomAD 0.00007 and 0.00008; 1000 Genomes Project 30x 0.00016; 1000 Genomes Project 0.00020; TOPMed 0.00020.
gnomAD v4.1: 15 of 1,601,838 alleles (0.00094%); highest among the groups gnomAD compares: Admixed American, 0.023%; no homozygotes.

Submissions (2):

Labcorp Genetics (formerly Invitae), Labcorp
Classification: Uncertain significance for Periodic fever-infantile enterocolitis-autoinflammatory syndrome; Familial cold autoinflammatory syndrome 4. Last evaluated: 2026-01-18. Review status: criteria provided, single submitter. Criteria: Invitae Variant Classification Sherloc (09022015). Collection method: clinical testing. Allele origin: germline.
Comment: This sequence change replaces leucine, which is neutral and non-polar, with glutamine, which is neutral and polar, at codon 1021 of the NLRC4 protein (p.Leu1021Gln). The frequency data for this variant in the population databases is considered unreliable, as metrics indicate poor data quality at this position in the gnomAD database. This variant has not been reported in the literature in individuals affected with NLRC4-related conditions. ClinVar contains an entry for this variant (Variation ID: 644477). An algorithm developed to predict the effect of missense changes on protein structure and function (PolyPhen-2) suggests that this variant is likely to be disruptive. In summary, the available evidence is currently insufficient to determine the role of this variant in disease. Therefore, it has been classified as a Variant of Uncertain Significance.

Ambry Genetics
Classification: Uncertain significance for Inborn genetic diseases. Last evaluated: 2023-12-22. Review status: criteria provided, single submitter. Criteria: Ambry Variant Classification Scheme 2023. Collection method: clinical testing. Allele origin: germline.

NM_001199138.2(NLRC4):c.3062T>A (p.Leu1021Gln)

Gene: NLRC4 (NLR family CARD domain containing 4; minus strand). Cytogenetic location: 2p22.3.
Variant type: single nucleotide variant.
Coding change: c.3062T>A on transcript NM_001199138.2 (MANE Select); coding-DNA position 3062, T replaced by A.
Protein change: p.Leu1021Gln; replaces leucine 1021 with glutamine.
Molecular consequence: missense variant.
Genome position (GRCh38, 1-based): chr2:32,224,486, A>T on the plus strand (T>A on the coding strand, the complement: NLRC4 is on the minus strand). VCF-style: chr2-32224486-A-T. GRCh37 (hg19) VCF-style: chr2-32449555-A-T.
Other names: c.3062T>A, p.Leu1021Gln (NM_001199139.2, NM_021209.5); c.1067T>A, p.Leu356Gln (NM_001302504.2); short protein forms L1021Q, L356Q.
Identifiers: ClinVar variation 644477 (VCV000644477.8), dbSNP rs200098511, ClinGen allele CA44797468.
Genomic context (GRCh38, chr2:32,224,486, plus strand): 5'-AAAATAATGAGGTCCCAGAGCACTTACTGGCTTCGAGTACACTTTATTTAAGCAGTTACT[A>T]GTTTAAAAGCACCTGTAATAACACTGAGATCATCATCATCAAATTGCCACCCAACAAGCC-3'
Protein context (NP_001186067.1, residues 1011-1024): DLSVITGAFK[Leu1021Gln]VTA